The following is an entry in ClinVar:

NM_032578.4(MYPN):c.1766G>A (p.Arg589Gln)

Gene: MYPN (myopalladin; plus strand). Cytogenetic location: 10q21.3.
Variant type: single nucleotide variant.
Coding change: c.1766G>A on transcript NM_032578.4 (MANE Select); coding-DNA position 1766, G replaced by A.
Protein change: p.Arg589Gln; replaces arginine 589 with glutamine.
Molecular consequence: missense variant. On other transcripts: non-coding transcript variant (2).
Genome position (GRCh38, 1-based): chr10:68,166,459, G>A. VCF-style: chr10-68166459-G-A. GRCh37 (hg19) VCF-style: chr10-69926216-G-A.
Other names: c.1766G>A, p.Arg589Gln (NM_001256267.2); c.884G>A, p.Arg295Gln (NM_001256268.2); short protein forms R589Q, R295Q.
Identifiers: ClinVar variation 1779688 (VCV001779688.2), dbSNP rs760044822, ClinGen allele CA5522654.
Genomic context (GRCh38, chr10:68,166,459, plus strand): 5'-CTGTGGAACAACCCCCCAAACCCAAACTCGAGGGGGTTCTGGTGAACCACAATGAGCCCC[G>A]GTCCAGCTCCAGGATTGGGCTTCGTGTGCACTTCAACCTGCCTGAAGATGACAAAGGAAG-3'
Protein context (NP_115967.2, residues 579-599): EGVLVNHNEP[Arg589Gln]SSSRIGLRVH

ClinVar aggregate classification (germline): Uncertain significance (1 of 4 stars; one submission).

Conditions:
Cardiovascular phenotype. Identifiers: MedGen CN230736.

Allele frequency attached by ClinVar (database versions not stated): TOPMed below 0.00001; gnomAD 0.00001; gnomAD exomes 0.00002; ExAC 0.00003.

Submission:

Ambry Genetics
Classification: Uncertain significance for Cardiovascular phenotype. Last evaluated: 2024-03-13. Review status: criteria provided, single submitter. Criteria: Ambry Variant Classification Scheme 2023. Collection method: clinical testing. Allele origin: germline.
Comment: The p.R589Q variant (also known as c.1766G>A), located in coding exon 9 of the MYPN gene, results from a G to A substitution at nucleotide position 1766. The arginine at codon 589 is replaced by glutamine, an amino acid with highly similar properties. This amino acid position is conserved. In addition, the in silico prediction for this alteration is inconclusive. Since supporting evidence is limited at this time, the clinical significance of this alteration remains unclear.